The following is an entry in ClinVar:

NM_032119.4(ADGRV1):c.13256T>C (p.Met4419Thr)

Gene: ADGRV1 (adhesion G protein-coupled receptor V1; plus strand). Cytogenetic location: 5q14.3.
Variant type: single nucleotide variant.
Coding change: c.13256T>C on transcript NM_032119.4 (MANE Select); coding-DNA position 13256, T replaced by C.
Protein change: p.Met4419Thr; replaces methionine 4419 with threonine.
Molecular consequence: missense variant. On other transcripts: non-coding transcript variant (1).
Genome position (GRCh38, 1-based): chr5:90,783,148, T>C. VCF-style: chr5-90783148-T-C. GRCh37 (hg19) VCF-style: chr5-90078965-T-C.
Other names: short protein forms M4419T.
Identifiers: ClinVar variation 1043531 (VCV001043531.8), dbSNP rs1759037562, ClinGen allele CA360392682.

ClinVar aggregate classification (germline): Uncertain significance (1 of 4 stars; one submission).

Allele frequency attached by ClinVar (database versions not stated): gnomAD exomes below 0.00001.
gnomAD v4.1: 1 of 1,613,600 alleles (0.000062%); highest among the groups gnomAD compares: Non-Finnish European, 0.000085%; no homozygotes.

Submission:

Labcorp Genetics (formerly Invitae), Labcorp
Classification: Uncertain significance. Last evaluated: 2022-02-05. Review status: criteria provided, single submitter. Criteria: Invitae Variant Classification Sherloc (09022015). Collection method: clinical testing. Allele origin: germline.
Comment: In summary, the available evidence is currently insufficient to determine the role of this variant in disease. Therefore, it has been classified as a Variant of Uncertain Significance. Algorithms developed to predict the effect of missense changes on protein structure and function output the following: SIFT: "Tolerated"; PolyPhen-2: "Benign"; Align-GVGD: "Class C0". The threonine amino acid residue is found in multiple mammalian species, which suggests that this missense change does not adversely affect protein function. ClinVar contains an entry for this variant (Variation ID: 1043531). This variant has not been reported in the literature in individuals affected with ADGRV1-related conditions. This variant is not present in population databases (gnomAD no frequency). This sequence change replaces methionine, which is neutral and non-polar, with threonine, which is neutral and polar, at codon 4419 of the ADGRV1 protein (p.Met4419Thr).